The following is an entry in ClinVar:

ClinVar aggregate classification (germline): Uncertain significance (1 of 4 stars; one submission).

Conditions:
Ataxia-telangiectasia syndrome (AT). Also called: Cerebello-oculocutaneous telangiectasia; Immunodeficiency with ataxia telangiectasia; Ataxia-telangiectasia, complementation group E; Ataxia-telangiectasia, complementation group D; AT, COMPLEMENTATION GROUP C; ATAXIA-TELANGIECTASIA, COMPLEMENTATION GROUP A. Identifiers: Orphanet 100, MedGen C0004135, MONDO:0008840, OMIM 208900.

Submission:

Labcorp Genetics (formerly Invitae), Labcorp
Classification: Uncertain significance for Ataxia-telangiectasia syndrome. Last evaluated: 2025-11-10. Review status: criteria provided, single submitter. Criteria: Invitae Variant Classification Sherloc (09022015). Collection method: clinical testing. Allele origin: germline.
Comment: This sequence change replaces aspartic acid, which is acidic and polar, with serine, which is neutral and polar, at codon 1548 of the ATM protein (p.Asp1548Ser). Information on the frequency of this variant in the gnomAD database is not available, as this variant may be reported differently in the database. This variant has not been reported in the literature in individuals affected with ATM-related conditions. ClinVar contains an entry for this variant (Variation ID: 2732831). An algorithm developed to predict the effect of missense changes on protein structure and function (PolyPhen-2) suggests that this variant is likely to be tolerated. In summary, the available evidence is currently insufficient to determine the role of this variant in disease. Therefore, it has been classified as a Variant of Uncertain Significance.

NM_000051.4(ATM):c.4642_4643inv (p.Asp1548Ser)

Gene: ATM (ATM serine/threonine kinase; plus strand). Cytogenetic location: 11q22.3.
Variant type: Inversion.
Coding change: c.4642_4643inv on transcript NM_000051.4 (MANE Select).
Protein change: p.Asp1548Ser; replaces aspartic acid 1548 with serine.
Molecular consequence: missense variant.
Genome position: GRCh38 VCF-style: chr11-108293343-GA-TC. GRCh37 (hg19) VCF-style: chr11-108164070-GA-TC.
Other names: c.4642_4643inv, p.Asp1548Ser (NM_001351834.2); short protein forms D1548S.
Identifiers: ClinVar variation 2732831 (VCV002732831.2), ClinGen allele CA2697558841.
Genomic context (GRCh38, chr11:108,293,343, plus strand): 5'-TATAATTTTTTCTTTTTAAATTATATTTAGGTATTGGACTTGTTGAAATACTTAGTGATA[GA>TC]TAACAAGGATAATGAAAACCTCTATATCACGATTAAGCTTTTAGATCCTTTTCCTGACCA-3'
Protein context (NP_000042.3, residues 1538-1558): VLDLLKYLVI[Asp1548Ser]NKDNENLYIT